The following is an entry in ClinVar:

NM_024675.4(PALB2):c.3201+96G>A

Gene: PALB2 (partner and localizer of BRCA2; minus strand). Cytogenetic location: 16p12.2.
Variant type: single nucleotide variant.
Coding change: c.3201+96G>A on transcript NM_024675.4 (MANE Select); 96 bases into the intron after coding-DNA position 3201, G replaced by A.
Molecular consequence: intron variant.
Genome position (GRCh38, 1-based): chr16:23,613,908, C>T on the plus strand (G>A on the coding strand, the complement: PALB2 is on the minus strand). VCF-style: chr16-23613908-C-T. GRCh37 (hg19) VCF-style: chr16-23625229-C-T.
Identifiers: ClinVar variation 126722 (VCV000126722.5), dbSNP rs373044186, ClinGen allele CA269607.

ClinVar aggregate classification (germline): Likely benign. Review status: criteria provided, multiple submitters, no conflicts (2 of 4 stars). 3 submissions from 3 submitters: Likely benign (2). 1 of the submissions does not count toward it. Last evaluated 2022-04-19.

Conditions:
Hereditary breast ovarian cancer syndrome. Also called: BRCA1- and BRCA2-Associated Hereditary Breast and Ovarian Cancer; Hereditary breast and ovarian cancer; Hereditary breast and/or ovarian cancer syndrome; Hereditary breast and ovarian cancer syndrome; Hereditary breast and ovarian cancer syndrome (HBOC); Breast and ovarian cancer. Identifiers: Orphanet 145, MedGen C0677776, MeSH D061325, MONDO:0003582. Disease mechanism: loss of function.
Familial cancer of breast. Also called: BREAST CANCER, FAMILIAL; hereditary breast carcinoma; Hereditary breast cancer. Identifiers: Orphanet 227535, MedGen C0346153, MONDO:0016419, OMIM 114480. Disease mechanism: loss of function.

Allele frequency attached by ClinVar (database versions not stated): 1000 Genomes Project 0.00020; 1000 Genomes Project 30x 0.00031; gnomAD 0.00048 and 0.00050; TOPMed 0.00059.
gnomAD v4.1: 131 of 877,440 alleles (0.015%); highest among the groups gnomAD compares: Middle Eastern, 0.15%; 1 homozygote.

Submissions (3):

National Health Laboratory Service, Universitas Academic Hospital and University of the Free State
Classification: Likely benign for Hereditary breast ovarian cancer syndrome. Last evaluated: 2022-04-19. Review status: criteria provided, single submitter. Criteria: ACMG Guidelines, 2015. Collection method: clinical testing. Allele origin: germline. Affected: yes. Observed: 2 variant alleles.

Breakthrough Genomics
Classification: Likely benign. Review status: criteria provided, single submitter. Criteria: ACMG Guidelines, 2015. Collection method: not provided. Allele origin: germline. Inheritance: Autosomal dominant inheritance. Affected: yes.

Leiden Open Variation Database
Classification: Likely benign for Familial cancer of breast. Last evaluated: 2019-05-13. Review status: no assertion criteria provided. Collection method: curation. Allele origin: germline. Affected: yes. Not counted in ClinVar's aggregate classification.
Comment: Curators: Marc Tischkowitz, Arleen D. Auerbach. Submitter to LOVD: Marc Tischkowitz.

Literature cited by the submitters: PubMed 21932393 (cited by Leiden Open Variation Database).